The following is an entry in ClinVar:

NM_006946.4(SPTBN2):c.5624C>G (p.Ala1875Gly)

Gene: SPTBN2 (spectrin beta, non-erythrocytic 2; minus strand). Cytogenetic location: 11q13.2.
Variant type: single nucleotide variant.
Coding change: c.5624C>G on transcript NM_006946.4 (MANE Select); coding-DNA position 5624, C replaced by G.
Protein change: p.Ala1875Gly; replaces alanine 1875 with glycine.
Molecular consequence: missense variant.
Genome position (GRCh38, 1-based): chr11:66,690,225, G>C on the plus strand (C>G on the coding strand, the complement: SPTBN2 is on the minus strand). VCF-style: chr11-66690225-G-C. GRCh37 (hg19) VCF-style: chr11-66457696-G-C.
Other names: short protein forms A1875G.
Identifiers: ClinVar variation 1384765 (VCV001384765.6), dbSNP rs2135330740, ClinGen allele CA381464274.

ClinVar aggregate classification (germline): Uncertain significance (1 of 4 stars; one submission).

Allele frequency attached by ClinVar (database versions not stated): gnomAD exomes below 0.00001.

Submission:

Labcorp Genetics (formerly Invitae), Labcorp
Classification: Uncertain significance. Last evaluated: 2022-01-06. Review status: criteria provided, single submitter. Criteria: Invitae Variant Classification Sherloc (09022015). Collection method: clinical testing. Allele origin: germline.
Comment: This sequence change replaces alanine, which is neutral and non-polar, with glycine, which is neutral and non-polar, at codon 1875 of the SPTBN2 protein (p.Ala1875Gly). This variant is not present in population databases (gnomAD no frequency). This variant has not been reported in the literature in individuals affected with SPTBN2-related conditions. Advanced modeling of protein sequence and biophysical properties (such as structural, functional, and spatial information, amino acid conservation, physicochemical variation, residue mobility, and thermodynamic stability) performed at Invitae indicates that this missense variant is not expected to disrupt SPTBN2 protein function. Algorithms developed to predict the effect of sequence changes on RNA splicing suggest that this variant may create or strengthen a splice site. In summary, the available evidence is currently insufficient to determine the role of this variant in disease. Therefore, it has been classified as a Variant of Uncertain Significance.